The following is an entry in ClinVar:

ClinVar aggregate classification (germline): Pathogenic. Review status: no assertion criteria provided (0 of 4 stars). 2 submissions from 2 submitters: Pathogenic (2). Last evaluated 2021-02-01.

Conditions:
Autosomal dominant cone dystrophy with early tritanopia.
Chromosome 16q12 duplication syndrome. Also called: CONE DYSTROPHY WITH EARLY-ONSET TRITANOPIC COLOR VISION DEFECT. Identifiers: MedGen C5562082, MONDO:0859210, OMIM 619649.

Submissions (2):

Molecular Genetics Laboratory, Institute for Ophthalmic Research
Classification: Pathogenic for Autosomal dominant cone dystrophy with early tritanopia. Last evaluated: 2021-02-01. Review status: no assertion criteria provided. Collection method: research. Allele origin: germline. Affected: yes.

ClinVar Staff, National Center for Biotechnology Information (NCBI)
Classification: Pathogenic for Chromosome 16q12 duplication syndrome. Review status: no assertion criteria provided. Collection method: literature only. Allele origin: germline. Inheritance: Autosomal dominant inheritance. Affected: yes.
Comment: This 608 kb duplication affecting the IRXB cluster was found in a large German multigeneration family in which CD segregates as an autosomal dominant trait. The paper by Kohl et al. , 2021 (PubMed 33891002) reported 2 other families with overlapping duplications; this one represents the smallest region of overlap. The same 608 kb duplication, verified by PCR, was found in another adCD family of German descent.

Literature cited by the submitters: DOI 10.1093/hmg/ddab117 (cited by Molecular Genetics Laboratory, Institute for Ophthalmic Research); PubMed 33891002 (cited by ClinVar Staff, National Center for Biotechnology Information (NCBI)).

NC_000016.10:g.54893325_55501091dup

Genes: CRNDE (colorectal neoplasia differentially expressed; minus strand), IRX5 (iroquois homeobox 5; plus strand), IRX6 (iroquois homeobox 6; plus strand), MMP2 (matrix metallopeptidase 2; plus strand), MMP2-AS1 (MMP2 antisense RNA 1; minus strand) and 12 more. Cytogenetic location: 16q12.2.
Variant type: Duplication.
Identifiers: ClinVar variation 997021 (VCV000997021.2).